The following is an entry in ClinVar:

NM_020223.4(FAM20C):c.145G>A (p.Ala49Thr)

Gene: FAM20C (FAM20C golgi associated secretory pathway kinase; plus strand). Cytogenetic location: 7p22.3.
Variant type: single nucleotide variant.
Coding change: c.145G>A on transcript NM_020223.4 (MANE Select); coding-DNA position 145, G replaced by A.
Protein change: p.Ala49Thr; replaces alanine 49 with threonine.
Molecular consequence: missense variant.
Genome position (GRCh38, 1-based): chr7:193,344, G>A. VCF-style: chr7-193344-G-A. GRCh37 (hg19) VCF-style: chr7-193344-G-A.
Other names: c.145G>A (NM_020223.3); short protein forms A49T.
Identifiers: ClinVar variation 2445961 (VCV002445961.1), dbSNP rs2534527071, ClinGen allele CA366522624.

ClinVar aggregate classification (germline): Uncertain significance (1 of 4 stars; one submission).

Submission:

Women's Health and Genetics/Laboratory Corporation of America, LabCorp
Classification: Uncertain significance. Last evaluated: 2023-02-24. Review status: criteria provided, single submitter. Criteria: LabCorp Variant Classification Summary - May 2015. Collection method: clinical testing. Allele origin: germline.
Comment: Variant summary: FAM20C c.145G>A (p.Ala49Thr) results in a non-conservative amino acid change in the encoded protein sequence. Two of four in-silico tools predict a benign effect of the variant on protein function. The variant was absent in 54984 control chromosomes. The available data on variant occurrences in the general population are insufficient to allow any conclusion about variant significance. To our knowledge, no occurrence of c.145G>A in individuals affected with Lethal Osteosclerotic Bone Dysplasia and no experimental evidence demonstrating its impact on protein function have been reported. No clinical diagnostic laboratories have submitted clinical-significance assessments for this variant to ClinVar after 2014. Based on the evidence outlined above, the variant was classified as uncertain significance.